The following is an entry in ClinVar:

ClinVar aggregate classification (germline): Conflicting classifications of pathogenicity. Review status: criteria provided, conflicting classifications (1 of 4 stars). 5 submissions from 4 submitters: Uncertain significance (1); Benign (1); Likely benign (2). 1 of the submissions does not count toward it. Last evaluated 2026-01-07.

Conditions:
LAMB2-related disorder. Also called: LAMB2-related condition.
LAMB2-related infantile-onset nephrotic syndrome. Also called: NEPHROTIC SYNDROME, TYPE 5, WITHOUT OCULAR ABNORMALITIES; NEPHROTIC SYNDROME, TYPE 5, WITH OCULAR ABNORMALITIES; Nephrotic Syndrome, type 5. Identifiers: Orphanet 306507, MedGen C3280113, MONDO:0013621, OMIM 614199.
Pierson syndrome. Also called: MICROCORIA-CONGENITAL NEPHROTIC SYNDROME. Identifiers: Orphanet 2670, MedGen C1836876, MONDO:0012184, OMIM 609049.

Allele frequency attached by ClinVar (database versions not stated): gnomAD 0.00024 and 0.00029; gnomAD exomes 0.00024 and 0.00060; TOPMed 0.00036; ExAC 0.00053; 1000 Genomes Project 30x 0.00078; 1000 Genomes Project 0.00100.
gnomAD v4.1: 398 of 1,614,064 alleles (0.025%); highest among the groups gnomAD compares: East Asian, 0.67%; no homozygotes.

Submissions (5):

Labcorp Genetics (formerly Invitae), Labcorp
Classification: Benign for LAMB2-related infantile-onset nephrotic syndrome; Pierson syndrome. Last evaluated: 2026-01-07. Review status: criteria provided, single submitter. Criteria: Invitae Variant Classification Sherloc (09022015). Collection method: clinical testing. Allele origin: germline.

GeneDx
Classification: Uncertain significance. Last evaluated: 2019-04-16. Review status: criteria provided, single submitter. Criteria: GeneDx Variant Classification Process June 2021. Collection method: clinical testing. Allele origin: germline. Affected: yes.
Comment: Reported in heterozygous state in an individual with Hirschsprung disease, however, this patient did not have a second identified LAMB2 variant, the variant was inherited from an unaffected mother, and variants in other genes were also identified that may relate to the phenotype (Tang et al., 2018); In silico analysis, which includes protein predictors and evolutionary conservation, supports that this variant does not alter protein structure/function; This variant is associated with the following publications: (PMID: 29483666)

Illumina Laboratory Services, Illumina
Classification: Likely benign for Pierson syndrome. Last evaluated: 2018-01-13. Review status: criteria provided, single submitter. Criteria: ICSL Variant Classification Criteria 13 December 2019. Collection method: clinical testing. Allele origin: germline.
Comment: This variant was observed in the ICSL laboratory as part of a predisposition screen in an ostensibly healthy population. It had not been previously curated by ICSL or reported in the Human Gene Mutation Database (HGMD: prior to June 1st, 2018), and was therefore a candidate for classification through an automated scoring system. Utilizing variant allele frequency, disease prevalence and penetrance estimates, and inheritance mode, an automated score was calculated to assess if this variant is too frequent to cause the disease. Based on the score and internal cut-off values, a variant classified as likely benign is not then subjected to further curation. The score for this variant resulted in a classification of likely benign for this disease.

Illumina Laboratory Services, Illumina
Classification: Likely benign for LAMB2-related infantile-onset nephrotic syndrome. Last evaluated: 2018-01-13. Review status: criteria provided, single submitter. Criteria: ICSL Variant Classification Criteria 13 December 2019. Collection method: clinical testing. Allele origin: germline.
Comment: the same text as in the submission from Illumina Laboratory Services, Illumina above.

PreventionGenetics, part of Exact Sciences
Classification: Likely benign for LAMB2-related condition. Last evaluated: 2019-11-14. Review status: no assertion criteria provided. Collection method: clinical testing. Allele origin: germline. Not counted in ClinVar's aggregate classification.
Comment: This variant is classified as likely benign based on ACMG/AMP sequence variant interpretation guidelines (Richards et al. 2015 PMID: 25741868, with internal and published modifications).

NM_002292.4(LAMB2):c.101C>A (p.Ala34Asp)

Gene: LAMB2 (laminin subunit beta 2; minus strand). Cytogenetic location: 3p21.31.
Variant type: single nucleotide variant.
Coding change: c.101C>A on transcript NM_002292.4 (MANE Select); coding-DNA position 101, C replaced by A.
Protein change: p.Ala34Asp; replaces alanine 34 with aspartic acid.
Molecular consequence: missense variant.
Genome position (GRCh38, 1-based): chr3:49,132,639, G>T on the plus strand (C>A on the coding strand, the complement: LAMB2 is on the minus strand). VCF-style: chr3-49132639-G-T. GRCh37 (hg19) VCF-style: chr3-49170072-G-T.
Other names: short protein forms A34D.
Identifiers: ClinVar variation 346014 (VCV000346014.15), dbSNP rs202057459, ClinGen allele CA2395047.